The following is an entry in ClinVar:

NM_006914.4(RORB):c.400AAC[1] (p.Asn135del)

Gene: RORB (RAR related orphan receptor B; plus strand). Cytogenetic location: 9q21.13.
Variant type: Microsatellite.
Coding change: c.400AAC[1] on transcript NM_006914.4 (MANE Select); one copy of the 3-base unit AAC starting at c.400; the reference has two copies in a row; one copy, 3 bases deleted.
Protein change: p.Asn135del; deletes asparagine 135.
Molecular consequence: inframe deletion.
Genome position (GRCh38, 1-based): chr9:74,642,581-74,642,583, AAC deleted; deleting any 3 consecutive bases within chr9:74,642,578-74,642,583 gives the same sequence; the position shown is the placement nearest the transcript's 3' end. VCF-style (leftmost placement, unchanged base first): chr9-74642577-GAAC-G. GRCh37 (hg19) VCF-style: chr9-77257493-GAAC-G.
Other names: c.433AAC[1], p.Asn146del (NM_001365023.1); short protein forms N135del, N146del.
Identifiers: ClinVar variation 1499391 (VCV001499391.6), dbSNP rs1463528222, ClinGen allele CA588651812.
Genomic context (GRCh38, chr9:74,642,577, plus strand): 5'-GGAGGCAGAAGCCCTTGCCAGGGTGTACAGCAGCAGCATTAGCAACGGCCTGAGCAACCT[GAAC>G]AACGAGACCAGCGGCACTTATGCCAACGGGCACGTCATTGACCTGCCCAAGTCTGAGGGT-3'

ClinVar aggregate classification (germline): Uncertain significance (1 of 4 stars; one submission).

Submission:

Labcorp Genetics (formerly Invitae), Labcorp
Classification: Uncertain significance. Last evaluated: 2023-08-04. Review status: criteria provided, single submitter. Criteria: Invitae Variant Classification Sherloc (09022015). Collection method: clinical testing. Allele origin: germline.
Comment: This variant has not been reported in the literature in individuals affected with RORB-related conditions. In summary, the available evidence is currently insufficient to determine the role of this variant in disease. Therefore, it has been classified as a Variant of Uncertain Significance. Experimental studies and prediction algorithms are not available or were not evaluated, and the functional significance of this variant is currently unknown. This variant is present in population databases (no rsID available, gnomAD 0.003%). This variant, c.403_405del, results in the deletion of 1 amino acid(s) of the RORB protein (p.Asn135del), but otherwise preserves the integrity of the reading frame.